The following is an entry in ClinVar:

NM_001114753.3(ENG):c.547A>G (p.Met183Val)

Gene: ENG (endoglin; minus strand). Cytogenetic location: 9q34.11.
Variant type: single nucleotide variant.
Coding change: c.547A>G on transcript NM_001114753.3 (MANE Select); coding-DNA position 547, A replaced by G.
Protein change: p.Met183Val; replaces methionine 183 with valine.
Molecular consequence: missense variant. On other transcripts: initiator codon variant (1).
Genome position (GRCh38, 1-based): chr9:127,825,837, T>C on the plus strand (A>G on the coding strand, the complement: ENG is on the minus strand). VCF-style: chr9-127825837-T-C. GRCh37 (hg19) VCF-style: chr9-130588116-T-C.
Other names: c.547A>G, p.Met183Val (NM_000118.4, NM_001406715.1); c.1A>G, p.Met1Val (NM_001278138.2); short protein forms M1V, M183V.
Identifiers: ClinVar variation 835751 (VCV000835751.12), dbSNP rs1830603171, ClinGen allele CA374983760.

ClinVar aggregate classification (germline): Uncertain significance (1 of 4 stars; one submission).

Conditions:
Hereditary hemorrhagic telangiectasia (HHT). Also called: ORW DISEASE; Osler Weber Rendu syndrome; OSLER-RENDU-WEBER DISEASE; Osler hemorrhagic telangiectasia syndrome. Identifiers: Orphanet 774, MedGen C0039445, MONDO:0019180. Disease mechanism: loss of function.

Submission:

Labcorp Genetics (formerly Invitae), Labcorp
Classification: Uncertain significance for Hereditary hemorrhagic telangiectasia. Last evaluated: 2019-12-08. Review status: criteria provided, single submitter. Criteria: Invitae Variant Classification Sherloc (09022015). Collection method: clinical testing. Allele origin: germline.
Comment: Algorithms developed to predict the effect of missense changes on protein structure and function output the following: SIFT: "Tolerated"; PolyPhen-2: "Benign"; Align-GVGD: "Class C0". The valine amino acid residue is found in multiple mammalian species, suggesting that this missense change does not adversely affect protein function. These predictions have not been confirmed by published functional studies and their clinical significance is uncertain. This variant is not present in population databases (ExAC no frequency). This sequence change replaces methionine with valine at codon 183 of the ENG protein (p.Met183Val). The methionine residue is weakly conserved and there is a small physicochemical difference between methionine and valine. This variant has not been reported in the literature in individuals with ENG-related conditions. In summary, the available evidence is currently insufficient to determine the role of this variant in disease. Therefore, it has been classified as a Variant of Uncertain Significance.